The following is an entry in ClinVar:

NM_001365536.1(SCN9A):c.1483G>C (p.Gly495Arg)

Genes: SCN9A (sodium voltage-gated channel alpha subunit 9; minus strand), SCN1A-AS1 (SCN1A and SCN9A antisense RNA 1; plus strand). Cytogenetic location: 2q24.3.
Variant type: single nucleotide variant.
Coding change: c.1483G>C on transcript NM_001365536.1 (MANE Select); coding-DNA position 1483, G replaced by C.
Protein change: p.Gly495Arg; replaces glycine 495 with arginine.
Molecular consequence: missense variant.
Genome position (GRCh38, 1-based): chr2:166,286,455, C>G on the plus strand (G>C on the coding strand, the complement: SCN9A is on the minus strand). VCF-style: chr2-166286455-C-G. GRCh37 (hg19) VCF-style: chr2-167142965-C-G.
Other names: c.1483G>C, p.Gly495Arg (NM_002977.4); short protein forms G495R.
Identifiers: ClinVar variation 940693 (VCV000940693.10), dbSNP rs1442081933, ClinGen allele CA349084640.

ClinVar aggregate classification (germline): Uncertain significance (1 of 4 stars; one submission).

Conditions:
Generalized epilepsy with febrile seizures plus, type 7 (GEFSP7). Also called: GEFS+, TYPE 7. Identifiers: Orphanet 36387, MedGen C2751778, MONDO:0013470, OMIM 613863.
Neuropathy, hereditary sensory and autonomic, type 2A (HSAN2A). Also called: HSAN IIA; MORVAN DISEASE; NEUROPATHY, CONGENITAL SENSORY; NEUROPATHY, HEREDITARY SENSORY RADICULAR, AUTOSOMAL RECESSIVE; NEUROPATHY, HEREDITARY SENSORY, TYPE IIA; NEUROPATHY, PROGRESSIVE SENSORY, OF CHILDREN. Identifiers: Orphanet 970, MedGen C2752089, MONDO:0024309, OMIM 201300.

Allele frequency attached by ClinVar (database versions not stated): gnomAD exomes below 0.00001 and 0.00001.
gnomAD v4.1: 1 of 1,613,870 alleles (0.000062%); highest among the groups gnomAD compares: East Asian, 0.0022%; no homozygotes.

Submission:

Labcorp Genetics (formerly Invitae), Labcorp
Classification: Uncertain significance for Neuropathy, hereditary sensory and autonomic, type 2A; Generalized epilepsy with febrile seizures plus, type 7. Last evaluated: 2025-12-01. Review status: criteria provided, single submitter. Criteria: Invitae Variant Classification Sherloc (09022015). Collection method: clinical testing. Allele origin: germline.
Comment: This sequence change replaces glycine, which is neutral and non-polar, with arginine, which is basic and polar, at codon 495 of the SCN9A protein (p.Gly495Arg). This variant is present in population databases (no rsID available, gnomAD 0.01%). This variant has not been reported in the literature in individuals affected with SCN9A-related conditions. ClinVar contains an entry for this variant (Variation ID: 940693). Invitae Evidence Modeling of protein sequence and biophysical properties (such as structural, functional, and spatial information, amino acid conservation, physicochemical variation, residue mobility, and thermodynamic stability) indicates that this missense variant is not expected to disrupt SCN9A protein function with a negative predictive value of 95%. In summary, the available evidence is currently insufficient to determine the role of this variant in disease. Therefore, it has been classified as a Variant of Uncertain Significance.